The following is an entry in ClinVar:

NM_007103.4(NDUFV1):c.1141C>T (p.Gln381Ter)

Genes: NDUFV1 (NADH:ubiquinone oxidoreductase core subunit V1; plus strand), LOC126861242 (CDK7 strongly-dependent group 2 enhancer GRCh37_chr11:67379204-67380403; plus strand). Cytogenetic location: 11q13.2.
Variant type: single nucleotide variant.
Coding change: c.1141C>T on transcript NM_007103.4 (MANE Select); coding-DNA position 1141, C replaced by T.
Protein change: p.Gln381Ter; replaces glutamine 381 with a stop codon.
Molecular consequence: nonsense.
Genome position (GRCh38, 1-based): chr11:67,611,957, C>T. VCF-style: chr11-67611957-C-T. GRCh37 (hg19) VCF-style: chr11-67379428-C-T.
Other names: c.1114C>T, p.Gln372Ter (NM_001166102.2); short protein forms Q372*, Q381*.
Identifiers: ClinVar variation 2852049 (VCV002852049.3), dbSNP rs1416843620, ClinGen allele CA381541762.

ClinVar aggregate classification (germline): Pathogenic (1 of 4 stars; one submission).

Allele frequency attached by ClinVar (database versions not stated): gnomAD exomes below 0.00001.
gnomAD v4.1: 1 of 1,613,984 alleles (0.000062%); highest among the groups gnomAD compares: South Asian, 0.0011%; no homozygotes.

Submission:

Labcorp Genetics (formerly Invitae), Labcorp
Classification: Pathogenic. Last evaluated: 2023-04-04. Review status: criteria provided, single submitter. Criteria: Invitae Variant Classification Sherloc (09022015). Collection method: clinical testing. Allele origin: germline.
Comment: This sequence change creates a premature translational stop signal (p.Gln381*) in the NDUFV1 gene. It is expected to result in an absent or disrupted protein product. Loss-of-function variants in NDUFV1 are known to be pathogenic (PMID: 10080174, 11349233). This variant is present in population databases (no rsID available, gnomAD 0.003%). This variant has not been reported in the literature in individuals affected with NDUFV1-related conditions. For these reasons, this variant has been classified as Pathogenic.

Literature cited by the submitters: PubMed 10080174; PubMed 11349233.